The following is an entry in ClinVar:

NM_000132.4(F8):c.5506T>C (p.Trp1836Arg)

Gene: F8 (coagulation factor VIII; minus strand). Cytogenetic location: Xq28.
Variant type: single nucleotide variant.
Coding change: c.5506T>C on transcript NM_000132.4 (MANE Select); coding-DNA position 5506, T replaced by C.
Protein change: p.Trp1836Arg; replaces tryptophan 1836 with arginine.
Molecular consequence: missense variant.
Genome position (GRCh38, 1-based): chrX:154,904,891, A>G on the plus strand (T>C on the coding strand, the complement: F8 is on the minus strand). VCF-style: chrX-154904891-A-G. GRCh37 (hg19) VCF-style: chrX-154133166-A-G.
Other names: short protein forms W1836R.
Identifiers: ClinVar variation 1676743 (VCV001676743.1), dbSNP rs2073029867, ClinGen allele CA414908671.

ClinVar aggregate classification (germline): Likely pathogenic (1 of 4 stars; one submission).

Conditions:
Hereditary factor VIII deficiency disease (HEMA). Also called: HEMOPHILIA, CLASSIC; AUTOSOMAL HEMOPHILIA A; Hemophilia A; Hemophilia A, congenital; HEM A; Factor 8 deficiency, congenital. Identifiers: Orphanet 98878, MedGen C0019069, MONDO:0010602, OMIM 306700.

Allele frequency attached by ClinVar (database versions not stated): TOPMed 0.00001.

Submission:

ISTH-SSC Genomics in Thrombosis and Hemostasis, KU Leuven, Center for Molecular and Vascular Biology
Classification: Likely pathogenic for Hereditary factor VIII deficiency disease. Review status: criteria provided, single submitter. Criteria: ACMG Guidelines, 2015. Collection method: clinical testing. Allele origin: maternal. Affected: yes.
Comment: Submitted to GoldVariant by Kathleen Freson, Center for Molecular and Vascular Biology, Leuven, Belgium

Literature cited by the submitters: PubMed 34355501.